The following is an entry in ClinVar:

ClinVar aggregate classification (germline): Uncertain significance. Review status: criteria provided, multiple submitters, no conflicts (2 of 4 stars). 2 submissions from 2 submitters: Uncertain significance (2). Last evaluated 2025-12-22.

Conditions:
Dilated cardiomyopathy 1JJ (CMD1JJ). Identifiers: Orphanet 154, MedGen C3808935, MONDO:0014095, OMIM 615235.

gnomAD v4.1: 2 of 1,613,832 alleles (0.00012%); highest among the groups gnomAD compares: African/African-American, 0.0013%; no homozygotes.

Submissions (2):

Labcorp Genetics (formerly Invitae), Labcorp
Classification: Uncertain significance for Dilated cardiomyopathy 1JJ. Last evaluated: 2025-12-22. Review status: criteria provided, single submitter. Criteria: Invitae Variant Classification Sherloc (09022015). Collection method: clinical testing. Allele origin: germline.
Comment: This sequence change replaces arginine, which is basic and polar, with glutamine, which is neutral and polar, at codon 812 of the LAMA4 protein (p.Arg812Gln). This variant is present in population databases (rs781992574, gnomAD 0.004%). This variant has not been reported in the literature in individuals affected with LAMA4-related conditions. ClinVar contains an entry for this variant (Variation ID: 3776310). Invitae Evidence Modeling of protein sequence and biophysical properties (such as structural, functional, and spatial information, amino acid conservation, physicochemical variation, residue mobility, and thermodynamic stability) indicates that this missense variant is expected to disrupt LAMA4 protein function with a positive predictive value of 80%. In summary, the available evidence is currently insufficient to determine the role of this variant in disease. Therefore, it has been classified as a Variant of Uncertain Significance.

Petrovsky National Research Centre of Surgery, The Federal Agency for Scientific Organizations
Classification: Uncertain significance for Dilated cardiomyopathy 1JJ. Last evaluated: 2024-11-18. Review status: criteria provided, single submitter. Criteria: ACMG Guidelines, 2015. Collection method: clinical testing. Allele origin: germline. Inheritance: Autosomal dominant inheritance. Affected: yes. Observed: 1 heterozygote.
Comment: The variant is in The Genome Aggregation Database (gnomAD) v4.1.0 with total MAF 0.000001239 (Date of access 14-11-2024). Heterozygous mutations in LAMA4 associate with dilated cardiomyopathy type 1JJ (MIM number 615235). However, in the absence of the functional studies, we could only classify this genetic variant as a Variant of Uncertain Significance.

NM_001105206.3(LAMA4):c.2456G>A (p.Arg819Gln)

Gene: LAMA4 (laminin subunit alpha 4; minus strand). Cytogenetic location: 6q21.
Variant type: single nucleotide variant.
Coding change: c.2456G>A on transcript NM_001105206.3 (MANE Select); coding-DNA position 2456, G replaced by A.
Protein change: p.Arg819Gln; replaces arginine 819 with glutamine.
Molecular consequence: missense variant.
Genome position (GRCh38, 1-based): chr6:112,144,831, C>T on the plus strand (G>A on the coding strand, the complement: LAMA4 is on the minus strand). VCF-style: chr6-112144831-C-T. GRCh37 (hg19) VCF-style: chr6-112466033-C-T.
Other names: p.Arg819Gln; c.2435G>A, p.Arg812Gln (NM_001105207.3, NM_002290.5); short protein forms R812Q, R819Q.
Identifiers: ClinVar variation 3776310 (VCV003776310.2).